The following is an entry in ClinVar:

NM_004168.4(SDHA):c.1552-2591A>G

Gene: SDHA (succinate dehydrogenase complex flavoprotein subunit A; plus strand). Cytogenetic location: 5p15.33.
Variant type: single nucleotide variant.
Coding change: c.1552-2591A>G on transcript NM_004168.4 (MANE Select); 2591 bases into the intron before coding-DNA position 1552, A replaced by G.
Molecular consequence: intron variant.
Genome position (GRCh38, 1-based): chr5:248,401, A>G. VCF-style: chr5-248401-A-G. GRCh37 (hg19) VCF-style: chr5-248516-A-G.
Other names: c.1552-2591A>G (NM_004168.2); c.1552-5992A>G (NM_001330758.2); c.1408-2591A>G (NM_001294332.2).
Identifiers: ClinVar variation 2951572 (VCV002951572.8), dbSNP rs1736606187, ClinGen allele CA1521995363.

ClinVar aggregate classification (germline): Conflicting classifications of pathogenicity. Review status: criteria provided, conflicting classifications (1 of 4 stars). 2 submissions from 2 submitters: Pathogenic (1); Uncertain significance (1). Last evaluated 2026-08-06.

Conditions:
Hereditary cancer-predisposing syndrome. Also called: Hereditary Cancer Syndrome; Hereditary neoplastic syndrome; Neoplastic Syndromes, Hereditary; Tumor predisposition. Identifiers: Orphanet 140162, MedGen C0027672, MeSH D009386, MONDO:0015356.
Mitochondrial complex II deficiency, nuclear type 1. Also called: SUCCINATE CoQ REDUCTASE DEFICIENCY. Identifiers: Orphanet 3208, MedGen C5700310, MONDO:0100294, OMIM 252011.
Pheochromocytoma/paraganglioma syndrome 5. Also called: Paragangliomas 5; SDHA-Related Hereditary Paraganglioma-Pheochromocytoma Syndrome. Identifiers: Orphanet 29072, MedGen C3279992, MONDO:0013602, OMIM 614165.

Allele frequency attached by ClinVar (database versions not stated): TOPMed below 0.00001.

Submissions (2):

Ambry Genetics
Classification: Uncertain significance for Hereditary cancer-predisposing syndrome. Last evaluated: 2026-08-06. Review status: criteria provided, single submitter. Criteria: Ambry Variant Classification Scheme 2023. Collection method: clinical testing. Allele origin: germline.
Comment: The c.1552-2591A>G intronic variant results from an A to G substitution 2591 nucleotides upstream from coding exon 12 in the SDHA gene. This nucleotide position is conserved on limited sequence alignment. In silico splice site analysis predicts that this alteration will result in the creation or strengthening of a novel splice donor site. RNA studies have demonstrated that this variant results in a splice defect; the clinical impact of this abnormal splicing is unknown at this time (Ambry internal data). Based on the available evidence, the clinical significance of this variant remains unclear.

Labcorp Genetics (formerly Invitae), Labcorp
Classification: Pathogenic for Pheochromocytoma/paraganglioma syndrome 5; Mitochondrial complex II deficiency, nuclear type 1. Last evaluated: 2023-10-02. Review status: criteria provided, single submitter. Criteria: Invitae Variant Classification Sherloc (09022015). Collection method: clinical testing. Allele origin: germline.
Comment: This sequence change falls in intron 11 of the SDHA gene. It does not directly change the encoded amino acid sequence of the SDHA protein. RNA analysis indicates that this variant induces altered splicing and may result in an absent or disrupted protein product. This variant is not present in population databases (gnomAD no frequency). This variant has not been reported in the literature in individuals affected with SDHA-related conditions. Studies have shown that this variant results in activation of a cryptic splice site and introduces a premature termination codon (Invitae). The resulting mRNA is expected to undergo nonsense-mediated decay. For these reasons, this variant has been classified as Pathogenic.